The following is an entry in ClinVar:

ClinVar aggregate classification (germline): Uncertain significance (1 of 4 stars; one submission).

Conditions:
Charcot-Marie-Tooth disease type 2R. Also called: CHARCOT-MARIE-TOOTH DISEASE, AXONAL, AUTOSOMAL RECESSIVE, TYPE 2R; Charcot-Marie-Tooth disease, axonal, type 2R; CHARCOT-MARIE-TOOTH NEUROPATHY, TYPE 2R. Identifiers: Orphanet 397968, MedGen C3809655, MONDO:0014208, OMIM 615490.

gnomAD v4.1: 1 of 1,614,016 alleles (0.000062%); highest among the groups gnomAD compares: Non-Finnish European, 0.000085%; no homozygotes.

Submission:

Labcorp Genetics (formerly Invitae), Labcorp
Classification: Uncertain significance for Charcot-Marie-Tooth disease type 2R. Last evaluated: 2025-03-31. Review status: criteria provided, single submitter. Criteria: Invitae Variant Classification Sherloc (09022015). Collection method: clinical testing. Allele origin: germline.
Comment: This sequence change replaces leucine, which is neutral and non-polar, with valine, which is neutral and non-polar, at codon 382 of the TRIM2 protein (p.Leu382Val). This variant is not present in population databases (gnomAD no frequency). This variant has not been reported in the literature in individuals affected with TRIM2-related conditions. An algorithm developed to predict the effect of missense changes on protein structure and function (PolyPhen-2) suggests that this variant is likely to be tolerated. In summary, the available evidence is currently insufficient to determine the role of this variant in disease. Therefore, it has been classified as a Variant of Uncertain Significance.

NM_015271.5(TRIM2):c.1225C>G (p.Leu409Val)

Gene: TRIM2 (tripartite motif containing 2; plus strand). Cytogenetic location: 4q31.3.
Variant type: single nucleotide variant.
Coding change: c.1225C>G on transcript NM_015271.5 (MANE Select); coding-DNA position 1225, C replaced by G.
Protein change: p.Leu409Val; replaces leucine 409 with valine.
Molecular consequence: missense variant.
Genome position (GRCh38, 1-based): chr4:153,295,751, C>G. VCF-style: chr4-153295751-C-G. GRCh37 (hg19) VCF-style: chr4-154216903-C-G.
Other names: c.1144C>G, p.Leu382Val (NM_001438623.1, NM_001438624.1, NM_001130067.2 and 10 more transcripts); c.1198C>G, p.Leu400Val (NM_001351054.2); c.1195C>G, p.Leu399Val (NM_001351055.2); c.769C>G, p.Leu257Val (NM_001351057.2); c.1318C>G, p.Leu440Val (NM_001375488.1); c.1315C>G, p.Leu439Val (NM_001375489.1); c.1168C>G, p.Leu390Val (NM_001375490.1); c.1165C>G, p.Leu389Val (NM_001375491.1); and 5 more; short protein forms L257V, L296V, L389V, L390V, L399V, L400V, L409V, L298V.
Identifiers: ClinVar variation 4768850 (VCV004768850.1).